The following is an entry in ClinVar:

ClinVar aggregate classification (germline): Likely benign (1 of 4 stars; one submission).

Submission:

CeGaT Center for Human Genetics Tuebingen
Classification: Likely benign. Last evaluated: 2025-04-01. Review status: criteria provided, single submitter. Criteria: CeGaT Center For Human Genetics Tuebingen Variant Classification Criteria Version 2. Collection method: clinical testing. Allele origin: germline. Affected: yes. Observed: 1 variant allele.
Comment: AC187652.1: BP4, BP7

NC_000007.14:g.263149A>G

Variant type: single nucleotide variant.
Genome position: GRCh38 VCF-style: chr7-263149-A-G. GRCh37 (hg19) VCF-style: chr7-303115-A-G.
Identifiers: ClinVar variation 3898377 (VCV003898377.7).